The following is an entry in ClinVar:

NM_016604.4(KDM3B):c.4253C>T (p.Ser1418Leu)

Gene: KDM3B (lysine demethylase 3B; plus strand). Cytogenetic location: 5q31.2.
Variant type: single nucleotide variant.
Coding change: c.4253C>T on transcript NM_016604.4 (MANE Select); coding-DNA position 4253, C replaced by T.
Protein change: p.Ser1418Leu; replaces serine 1418 with leucine.
Molecular consequence: missense variant.
Genome position (GRCh38, 1-based): chr5:138,425,424, C>T. VCF-style: chr5-138425424-C-T. GRCh37 (hg19) VCF-style: chr5-137761113-C-T.
Other names: short protein forms S1418L.
Identifiers: ClinVar variation 4282424 (VCV004282424.1).

ClinVar aggregate classification (germline): Uncertain significance (1 of 4 stars; one submission).

Submission:

GeneDx
Classification: Uncertain significance. Last evaluated: 2025-04-08. Review status: criteria provided, single submitter. Criteria: GeneDx Variant Classification Process June 2021. Collection method: clinical testing. Allele origin: germline. Affected: yes.
Comment: Not observed at significant frequency in large population cohorts (gnomAD); In silico analysis supports that this missense variant has a deleterious effect on protein structure/function; Has not been previously published as pathogenic or benign to our knowledge